The following is an entry in ClinVar:

ClinVar aggregate classification (germline): Conflicting classifications of pathogenicity. Review status: criteria provided, conflicting classifications (1 of 4 stars). 2 submissions from 2 submitters: Uncertain significance (1); Likely benign (1). Last evaluated 2024-04-22.

Conditions:
Hereditary pancreatitis (PCTT). Also called: Hereditary chronic pancreatitis; PRSS1-Related Hereditary Pancreatitis. Identifiers: Orphanet 676, MedGen C0238339, MONDO:0008185, OMIM 167800.

Allele frequency attached by ClinVar (database versions not stated): gnomAD exomes below 0.00001; gnomAD 0.00001.
gnomAD v4.1: 8 of 1,613,960 alleles (0.0005%); highest among the groups gnomAD compares: African/African-American, 0.0027%; no homozygotes.

Submissions (2):

Ambry Genetics
Classification: Likely benign for Hereditary pancreatitis. Last evaluated: 2024-04-22. Review status: criteria provided, single submitter. Criteria: Ambry Variant Classification Scheme 2023. Collection method: clinical testing. Allele origin: germline.

Labcorp Genetics (formerly Invitae), Labcorp
Classification: Uncertain significance. Last evaluated: 2023-11-29. Review status: criteria provided, single submitter. Criteria: Invitae Variant Classification Sherloc (09022015). Collection method: clinical testing. Allele origin: germline.
Comment: This sequence change creates a premature translational stop signal (p.Arg66*) in the CPA1 gene. It is expected to result in an absent or disrupted protein product. However, the current clinical and genetic evidence is not sufficient to establish whether loss-of-function variants in CPA1 cause disease. This variant is present in population databases (rs371401173, gnomAD 0.01%). This variant has not been reported in the literature in individuals affected with CPA1-related conditions. ClinVar contains an entry for this variant (Variation ID: 2170567). Algorithms developed to predict the effect of sequence changes on RNA splicing suggest that this variant may disrupt the consensus splice site. In summary, the available evidence is currently insufficient to determine the role of this variant in disease. Therefore, it has been classified as a Variant of Uncertain Significance.

NM_001868.4(CPA1):c.196C>T (p.Arg66Ter)

Gene: CPA1 (carboxypeptidase A1; plus strand). Cytogenetic location: 7q32.2.
Variant type: single nucleotide variant.
Coding change: c.196C>T on transcript NM_001868.4 (MANE Select); coding-DNA position 196, C replaced by T.
Protein change: p.Arg66Ter; replaces arginine 66 with a stop codon.
Molecular consequence: nonsense.
Genome position (GRCh38, 1-based): chr7:130,381,678, C>T. VCF-style: chr7-130381678-C-T. GRCh37 (hg19) VCF-style: chr7-130021519-C-T.
Other names: c.196C>T (NM_001868.2); short protein forms R66*.
Identifiers: ClinVar variation 2170567 (VCV002170567.5), dbSNP rs371401173, ClinGen allele CA166885329.